The following is an entry in ClinVar:

ClinVar aggregate classification (germline): Likely benign. Review status: criteria provided, multiple submitters, no conflicts (2 of 4 stars). 3 submissions from 3 submitters: Likely benign (2). 1 of the submissions does not count toward it. Last evaluated 2025-11-19.

Conditions:
TCF3-related disorder. Also called: TCF3-related condition.

Allele frequency attached by ClinVar (database versions not stated): gnomAD 0.00006 and 0.00007; TOPMed 0.00010; gnomAD exomes 0.00013; ExAC 0.00032.
gnomAD v4.1: 79 of 1,570,270 alleles (0.005%); highest among the groups gnomAD compares: Non-Finnish European, 0.006%; no homozygotes.

Submissions (3):

Labcorp Genetics (formerly Invitae), Labcorp
Classification: Likely benign. Last evaluated: 2025-11-19. Review status: criteria provided, single submitter. Criteria: Invitae Variant Classification Sherloc (09022015). Collection method: clinical testing. Allele origin: germline.

Blueprint Genetics
Classification: Likely benign. Last evaluated: 2024-10-07. Review status: criteria provided, single submitter. Criteria: ACMG Guidelines, 2015. Collection method: clinical testing. Allele origin: germline.

PreventionGenetics, part of Exact Sciences
Classification: Likely benign for TCF3-related condition. Last evaluated: 2024-02-09. Review status: no assertion criteria provided. Collection method: clinical testing. Allele origin: germline. Not counted in ClinVar's aggregate classification.
Comment: This variant is classified as likely benign based on ACMG/AMP sequence variant interpretation guidelines (Richards et al. 2015 PMID: 25741868, with internal and published modifications).

NM_003200.5(TCF3):c.702G>A (p.Ala234=)

Gene: TCF3 (transcription factor 3; minus strand). Cytogenetic location: 19p13.3.
Variant type: single nucleotide variant.
Coding change: c.702G>A on transcript NM_003200.5 (MANE Select); coding-DNA position 702, G replaced by A.
Protein change: p.Ala234=; no amino-acid change (alanine 234 retained).
Molecular consequence: synonymous variant.
Genome position (GRCh38, 1-based): chr19:1,622,174, C>T on the plus strand (G>A on the coding strand, the complement: TCF3 is on the minus strand). VCF-style: chr19-1622174-C-T. GRCh37 (hg19) VCF-style: chr19-1622173-C-T.
Other names: c.702G>A, p.Ala234= (NM_001136139.4, NM_001351778.2, NM_001351779.2); c.702G>A (NM_003200.3).
Identifiers: ClinVar variation 1078064 (VCV001078064.12), dbSNP rs748162352, ClinGen allele CA9050251.